The following is an entry in ClinVar:

ClinVar aggregate classification (germline): Uncertain significance (1 of 4 stars; one submission).

Submission:

Labcorp Genetics (formerly Invitae), Labcorp
Classification: Uncertain significance. Last evaluated: 2021-11-01. Review status: criteria provided, single submitter. Criteria: Invitae Variant Classification Sherloc (09022015). Collection method: clinical testing. Allele origin: germline.
Comment: In summary, the available evidence is currently insufficient to determine the role of this variant in disease. Therefore, it has been classified as a Variant of Uncertain Significance. This variant has not been reported in the literature in individuals affected with KPNA7-related conditions. This variant is not present in population databases (gnomAD no frequency). This sequence change creates a premature translational stop signal (p.Leu211Cysfs*29) in the KPNA7 gene. It is expected to result in an absent or disrupted protein product. However, the current clinical and genetic evidence is not sufficient to establish whether loss-of-function variants in KPNA7 cause disease.

NM_001145715.3(KPNA7):c.631del (p.Leu211fs)

Gene: KPNA7 (karyopherin subunit alpha 7; minus strand). Cytogenetic location: 7q22.1.
Variant type: Deletion.
Coding change: c.631del on transcript NM_001145715.3 (MANE Select); coding-DNA position 631, one base deleted (C; older notation c.631delC).
Protein change: p.Leu211fs; shifts the reading frame from leucine 211.
Molecular consequence: frameshift variant.
Genome position (GRCh38, 1-based): chr7:99,193,024, G deleted on the plus strand (C on the coding strand, the reverse complement: KPNA7 is on the minus strand); the first of 3 consecutive G bases (chr7:99,193,024-99,193,026); deleting any one gives the same sequence. VCF-style (leftmost placement, unchanged base first): chr7-99193023-AG-A. GRCh37 (hg19) VCF-style: chr7-98790646-AG-A.
Other names: short protein forms L211fs.
Identifiers: ClinVar variation 1437571 (VCV001437571.4), dbSNP rs1460831817, ClinGen allele CA844466915.